The following is an entry in ClinVar:

ClinVar aggregate classification (germline): Uncertain significance (1 of 4 stars; one submission).

Submission:

Labcorp Genetics (formerly Invitae), Labcorp
Classification: Uncertain significance. Last evaluated: 2023-11-19. Review status: criteria provided, single submitter. Criteria: Invitae Variant Classification Sherloc (09022015). Collection method: clinical testing. Allele origin: germline.
Comment: This sequence change replaces serine, which is neutral and polar, with cysteine, which is neutral and slightly polar, at codon 375 of the TNFRSF11A protein (p.Ser375Cys). This variant is not present in population databases (gnomAD no frequency). This variant has not been reported in the literature in individuals affected with TNFRSF11A-related conditions. An algorithm developed to predict the effect of missense changes on protein structure and function (PolyPhen-2) suggests that this variant is likely to be disruptive. In summary, the available evidence is currently insufficient to determine the role of this variant in disease. Therefore, it has been classified as a Variant of Uncertain Significance.

NM_003839.4(TNFRSF11A):c.1124C>G (p.Ser375Cys)

Gene: TNFRSF11A (TNF receptor superfamily member 11a; plus strand). Cytogenetic location: 18q21.33.
Variant type: single nucleotide variant.
Coding change: c.1124C>G on transcript NM_003839.4 (MANE Select); coding-DNA position 1124, C replaced by G.
Protein change: p.Ser375Cys; replaces serine 375 with cysteine.
Molecular consequence: missense variant. On other transcripts: intron variant (3).
Genome position (GRCh38, 1-based): chr18:62,369,041, C>G. VCF-style: chr18-62369041-C-G. GRCh37 (hg19) VCF-style: chr18-60036274-C-G.
Other names: c.1082C>G, p.Ser361Cys (NM_001278268.2); c.783+2281C>G (NM_001270949.2); c.730+7248C>G (NM_001270950.2); c.616+8992C>G (NM_001270951.2); short protein forms S361C, S375C.
Identifiers: ClinVar variation 2817540 (VCV002817540.3), dbSNP rs2511592481, ClinGen allele CA402617197.